The following is an entry in ClinVar:

ClinVar aggregate classification (germline): Uncertain significance (1 of 4 stars; one submission).

Conditions:
Cardiovascular phenotype. Identifiers: MedGen CN230736.

gnomAD v4.1: 2 of 1,612,902 alleles (0.00012%); highest among the groups gnomAD compares: African/African-American, 0.0027%; no homozygotes.

Submission:

Ambry Genetics
Classification: Uncertain significance for Cardiovascular phenotype. Last evaluated: 2024-10-17. Review status: criteria provided, single submitter. Criteria: Ambry Variant Classification Scheme 2023. Collection method: clinical testing. Allele origin: germline.
Comment: The p.T1918S variant (also known as c.5752A>T), located in coding exon 45 of the CACNA1C gene, results from an A to T substitution at nucleotide position 5752. The threonine at codon 1918 is replaced by serine, an amino acid with similar properties. This variant has been observed in at least one individual with a personal and/or family history that is consistent with long QT syndrome (Ambry internal data). This amino acid position is highly conserved in available vertebrate species. In addition, this alteration is predicted to be tolerated by in silico analysis. Based on the available evidence, the clinical significance of this variant remains unclear.

NM_000719.7(CACNA1C):c.5752A>T (p.Thr1918Ser)

Genes: CACNA1C (calcium voltage-gated channel subunit alpha1 C; plus strand), CACNA1C-AS1 (CACNA1C antisense RNA 1; minus strand). Cytogenetic location: 12p13.33.
Variant type: single nucleotide variant.
Coding change: c.5752A>T on transcript NM_000719.7 (MANE Select); coding-DNA position 5752, A replaced by T.
Protein change: p.Thr1918Ser; replaces threonine 1918 with serine.
Molecular consequence: missense variant.
Genome position (GRCh38, 1-based): chr12:2,686,237, A>T. VCF-style: chr12-2686237-A-T. GRCh37 (hg19) VCF-style: chr12-2795403-A-T.
Other names: c.5896A>T, p.Thr1966Ser (NM_001129827.2); c.5875A>T, p.Thr1959Ser (NM_001129829.2); c.5857A>T, p.Thr1953Ser (NM_001129830.3, NM_001167624.3); c.5836A>T, p.Thr1946Ser (NM_001129831.2); c.5812A>T, p.Thr1938Ser (NM_001129832.2); c.5809A>T, p.Thr1937Ser (NM_001129833.2, NM_001129834.2, NM_001129835.2); c.5803A>T, p.Thr1935Ser (NM_001129836.2); c.5776A>T, p.Thr1926Ser (NM_001129837.2, NM_001129838.2); and 6 more; short protein forms T1918S, T1935S, T1938S, T2001S, T1926S, T1959S, T1907S, T1915S.
Identifiers: ClinVar variation 3483951 (VCV003483951.1).